The following is an entry in ClinVar:

NM_006206.6(PDGFRA):c.1507G>A (p.Ala503Thr)

Gene: PDGFRA (platelet derived growth factor receptor alpha; plus strand). Cytogenetic location: 4q12.
Variant type: single nucleotide variant.
Coding change: c.1507G>A on transcript NM_006206.6 (MANE Select); coding-DNA position 1507, G replaced by A.
Protein change: p.Ala503Thr; replaces alanine 503 with threonine.
Molecular consequence: missense variant.
Genome position (GRCh38, 1-based): chr4:54,273,679, G>A. VCF-style: chr4-54273679-G-A. GRCh37 (hg19) VCF-style: chr4-55139846-G-A.
Other names: c.1507G>A, p.Ala503Thr (NM_001347827.2, NM_001347829.2); c.1582G>A, p.Ala528Thr (NM_001347828.2); c.1546G>A, p.Ala516Thr (NM_001347830.2); short protein forms A503T, A516T, A528T.
Identifiers: ClinVar variation 577050 (VCV000577050.8), dbSNP rs1560479104, ClinGen allele CA356892705.
Genomic context (GRCh38, chr4:54,273,679, plus strand): 5'-ACCGTGGAGGGCCGTGTGACTTTCGCCAAAGTGGAGGAGACCATCGCCGTGCGATGCCTG[G>A]CTAAGAATCTCCTTGGAGCTGAGAACCGAGAGCTGAAGCTGGTGGCTCCCAGTGAGTTCC-3'
Protein context (NP_006197.1, residues 493-513): VEETIAVRCL[Ala503Thr]KNLLGAENRE

ClinVar aggregate classification (germline): Uncertain significance. Review status: criteria provided, multiple submitters, no conflicts (2 of 4 stars). 2 submissions from 2 submitters: Uncertain significance (2). Last evaluated 2026-01-23.

Conditions:
Gastrointestinal stromal tumor. Also called: Gastrointestinal stromal tumor, somatic; Gastrointestinal stroma tumor. Identifiers: Orphanet 44890, MedGen C0238198, MeSH D046152, MONDO:0011719, OMIM 606764, HP:0100723.
Hereditary cancer-predisposing syndrome. Also called: Hereditary Cancer Syndrome; Tumor predisposition; Neoplastic Syndromes, Hereditary; Hereditary neoplastic syndrome. Identifiers: Orphanet 140162, MedGen C0027672, MeSH D009386, MONDO:0015356.

Allele frequency attached by ClinVar (database versions not stated): TOPMed below 0.00001; gnomAD 0.00001; gnomAD exomes 0.00001.
gnomAD v4.1: 8 of 1,613,910 alleles (0.0005%); highest among the groups gnomAD compares: Non-Finnish European, 0.00068%; no homozygotes.

Submissions (2):

Labcorp Genetics (formerly Invitae), Labcorp
Classification: Uncertain significance for Gastrointestinal stromal tumor. Last evaluated: 2026-01-23. Review status: criteria provided, single submitter. Criteria: Invitae Variant Classification Sherloc (09022015). Collection method: clinical testing. Allele origin: germline.
Comment: This sequence change replaces alanine, which is neutral and non-polar, with threonine, which is neutral and polar, at codon 503 of the PDGFRA protein (p.Ala503Thr). This variant is not present in population databases (gnomAD no frequency). This variant has not been reported in the literature in individuals affected with PDGFRA-related conditions. ClinVar contains an entry for this variant (Variation ID: 577050). Invitae Evidence Modeling of protein sequence and biophysical properties (such as structural, functional, and spatial information, amino acid conservation, physicochemical variation, residue mobility, and thermodynamic stability) indicates that this missense variant is not expected to disrupt PDGFRA protein function with a negative predictive value of 80%. In summary, the available evidence is currently insufficient to determine the role of this variant in disease. Therefore, it has been classified as a Variant of Uncertain Significance.

Ambry Genetics
Classification: Uncertain significance for Hereditary cancer-predisposing syndrome. Last evaluated: 2025-11-11. Review status: criteria provided, single submitter. Criteria: Ambry Variant Classification Scheme 2023. Collection method: clinical testing. Allele origin: germline.
Comment: The p.A503T variant (also known as c.1507G>A), located in coding exon 9 of the PDGFRA gene, results from a G to A substitution at nucleotide position 1507. The alanine at codon 503 is replaced by threonine, an amino acid with similar properties. This amino acid position is well conserved in available vertebrate species. In addition, the in silico prediction for this alteration is inconclusive. Since supporting evidence is limited at this time, the clinical significance of this alteration remains unclear.